The following is an entry in ClinVar:

ClinVar aggregate classification (germline): Uncertain significance. Review status: criteria provided, multiple submitters, no conflicts (2 of 4 stars). 2 submissions from 2 submitters: Uncertain significance (2). Last evaluated 2025-10-15.

Conditions:
PLXNA3-related disorder. Also called: PLXNA3-related condition.

gnomAD v4.1: 15 of 1,201,685 alleles (0.0012%); highest among the groups gnomAD compares: African/African-American, 0.007%; no homozygotes.

Submissions (2):

PreventionGenetics, part of Exact Sciences
Classification: Uncertain significance for PLXNA3-related condition. Last evaluated: 2025-10-15. Review status: criteria provided, single submitter. Criteria: ACMG Guidelines, 2015. Collection method: clinical testing. Allele origin: germline.
Comment: The PLXNA3 c.227G>A variant is predicted to result in the amino acid substitution p.Arg76His. To our knowledge, this variant has not been reported in the literature. This variant is reported in 0.0075% of alleles in individuals of East Asian descent in gnomAD. At this time, the clinical significance of this variant is uncertain due to the absence of conclusive functional and genetic evidence.

Ambry Genetics
Classification: Uncertain significance. Last evaluated: 2024-08-19. Review status: criteria provided, single submitter. Criteria: Ambry Variant Classification Scheme 2023. Collection method: clinical testing. Allele origin: germline.

NM_017514.5(PLXNA3):c.227G>A (p.Arg76His)

Gene: PLXNA3 (plexin A3; plus strand). Cytogenetic location: Xq28.
Variant type: single nucleotide variant.
Coding change: c.227G>A on transcript NM_017514.5 (MANE Select); coding-DNA position 227, G replaced by A.
Protein change: p.Arg76His; replaces arginine 76 with histidine.
Molecular consequence: missense variant.
Genome position (GRCh38, 1-based): chrX:154,460,410, G>A. VCF-style: chrX-154460410-G-A. GRCh37 (hg19) VCF-style: chrX-153688750-G-A.
Other names: short protein forms R76H.
Identifiers: ClinVar variation 3421148 (VCV003421148.2).